The following is an entry in ClinVar:

ClinVar aggregate classification (germline): Uncertain significance (0 of 4 stars; one submission).

Conditions:
UMOD-related disorder. Also called: UMOD-related condition.

Submission:

PreventionGenetics, part of Exact Sciences
Classification: Uncertain significance for UMOD-related condition. Last evaluated: 2024-05-17. Review status: no assertion criteria provided. Collection method: clinical testing. Allele origin: germline.
Comment: The UMOD c.1408C>T variant is predicted to result in premature protein termination (p.Gln470*). To our knowledge, this variant has not been reported in the literature. This variant is reported in 0.0058% of alleles in individuals of Latino descent in gnomAD. Since loss-of-function is not an established disease-causing mechanism for this gene (UMOD at ClinGen), at this time, the clinical significance of this variant is uncertain due to the absence of conclusive functional and genetic evidence.

NM_003361.4(UMOD):c.1408C>T (p.Gln470Ter)

Gene: UMOD (uromodulin; minus strand). Cytogenetic location: 16p12.3.
Variant type: single nucleotide variant.
Coding change: c.1408C>T on transcript NM_003361.4 (MANE Select); coding-DNA position 1408, C replaced by T.
Protein change: p.Gln470Ter; replaces glutamine 470 with a stop codon.
Molecular consequence: nonsense. On other transcripts: non-coding transcript variant (1).
Genome position (GRCh38, 1-based): chr16:20,341,260, G>A on the plus strand (C>T on the coding strand, the complement: UMOD is on the minus strand). VCF-style: chr16-20341260-G-A. GRCh37 (hg19) VCF-style: chr16-20352582-G-A.
Other names: c.1408C>T, p.Gln470Ter (NM_001008389.3, NM_001378232.1, NM_001378233.1); c.1507C>T, p.Gln503Ter (NM_001278614.2); c.1549C>T, p.Gln517Ter (NM_001378234.1, NM_001378235.1); short protein forms Q470*, Q503*, Q517*.
Identifiers: ClinVar variation 3354397 (VCV003354397.1).
Genomic context (GRCh38, chr16:20,341,260, plus strand): 5'-TGGTGCCCACGTAGAGAAAAGCCTCAGTGGACAGTGTCACGGAGGAGCCTTGGTAGGGCT[G>A]CGTGTAGGAAGGGGTCTGGAAGAGCGCCATCCGCACGGTGAACATGCCGGTCCCGCCCAC-3'